The following is an entry in ClinVar:

ClinVar aggregate classification (germline): Uncertain significance. Review status: criteria provided, multiple submitters, no conflicts (2 of 4 stars). 6 submissions from 6 submitters: Uncertain significance (5). 1 of the submissions does not count toward it. Last evaluated 2025-12-18.

Conditions:
RYR1-related disorder. Also called: RYR1-related condition; RYR1-related disorders. Identifiers: MedGen CN239331.
Malignant hyperthermia, susceptibility to, 1 (MHS1). Also called: RYR1-Related Malignant Hyperthermia Susceptibility; Anesthesia related hyperthermia; Malignant hyperpyrexia; Fulminating hyperpyrexia; Pharmacogenic myopathy; Malignant hyperthermia suceptibility 1. Identifiers: Orphanet 423, MedGen C2930980, MONDO:0007783, OMIM 145600.

Allele frequency attached by ClinVar (database versions not stated): gnomAD 0.00001; ExAC 0.00001; gnomAD exomes 0.00002; TOPMed 0.00002.
gnomAD v4.1: 12 of 1,613,648 alleles (0.00074%); highest among the groups gnomAD compares: Non-Finnish European, 0.001%; no homozygotes.

Submissions (6):

Women's Health and Genetics/Laboratory Corporation of America, LabCorp
Classification: Uncertain significance. Last evaluated: 2025-12-18. Review status: criteria provided, single submitter. Criteria: LabCorp Variant Classification Summary - May 2015. Collection method: clinical testing. Allele origin: germline.
Comment: Variant summary: RYR1 c.14942T>C (p.Leu4981Pro) results in a non-conservative amino acid change in the encoded protein sequence. Algorithms developed to predict the effect of missense changes on protein structure and function all suggest that this variant is likely to be disruptive. The variant allele was found at a frequency of 1.6e-05 in 251312 control chromosomes. The available data on variant occurrences in the general population are insufficient to allow any conclusion about variant significance. c.14942T>C has been observed in individual(s) affected with fetal akinesia (examples: Boissel_2018, Alkhunaizi_2019). These report(s) do not provide unequivocal conclusions about association of the variant with Congenital Multicore Myopathy With External Ophthalmoplegia. To our knowledge, no experimental evidence demonstrating an impact on protein function has been reported. The following publications has been ascertained in the context of this evaluation (PMID: 30652412, 29261186). ClinVar contains an entry for this variant (Variation ID: 590478). Based on the evidence outlined above, the variant was classified as uncertain significance.

GeneDx
Classification: Uncertain significance. Last evaluated: 2025-08-27. Review status: criteria provided, single submitter. Criteria: GeneDx Variant Classification Process June 2021. Collection method: clinical testing. Allele origin: germline.
Comment: Previously reported in the compound heterozygous state in a proband with hydrops, contractures, clubfeet, and abnormal muscle fiber histology (PMID: 30652412); Not observed at significant frequency in large population cohorts (gnomAD); In silico analysis supports that this missense variant has a deleterious effect on protein structure/function; This variant is associated with the following publications: (PMID: 20681998, 33767344, 29261186, 30652412)

Labcorp Genetics (formerly Invitae), Labcorp
Classification: Uncertain significance for RYR1-related disorder. Last evaluated: 2025-06-04. Review status: criteria provided, single submitter. Criteria: Invitae Variant Classification Sherloc (09022015). Collection method: clinical testing. Allele origin: germline.
Comment: This sequence change replaces leucine, which is neutral and non-polar, with proline, which is neutral and non-polar, at codon 4981 of the RYR1 protein (p.Leu4981Pro). This variant is present in population databases (rs761963097, gnomAD 0.003%). This missense change has been observed in individual(s) with clinical features of autosomal recessive RYR1-related conditions (PMID: 29261186; internal data). In at least one individual the data is consistent with being in trans (on the opposite chromosome) from a pathogenic variant. This variant is also known as p.L4976P. ClinVar contains an entry for this variant (Variation ID: 590478). Invitae Evidence Modeling of protein sequence and biophysical properties (such as structural, functional, and spatial information, amino acid conservation, physicochemical variation, residue mobility, and thermodynamic stability) has been performed for this missense variant. However, the output from this modeling did not meet the statistical confidence thresholds required to predict the impact of this variant on RYR1 protein function. In summary, the available evidence is currently insufficient to determine the role of this variant in disease. Therefore, it has been classified as a Variant of Uncertain Significance.

All of Us Research Program, National Institutes of Health
Classification: Uncertain significance for Malignant hyperthermia, susceptibility to, 1. Last evaluated: 2024-05-14. Review status: criteria provided, single submitter. Criteria: ACMG Guidelines, 2015. Collection method: clinical testing. Allele origin: germline. Inheritance: Autosomal dominant inheritance. Observed: 8 variant alleles, 8 heterozygotes.
Comment: This missense variant replaces leucine with proline at codon 4981 of the RYR1 protein. Computational prediction suggests that this variant may have deleterious impact on protein structure and function (internally defined REVEL score threshold >= 0.7, PMID: 27666373). To our knowledge, functional studies have not been reported for this variant. This variant has not been reported in individuals affected with malignant hyperthermia susceptibility in the literature, although it has been reported in individuals affected with other phenotypes (ClinVar Variation ID: 590478). This variant has been identified in 4/251312 chromosomes in the general population by the Genome Aggregation Database (gnomAD). The available evidence is insufficient to determine the role of this variant in disease conclusively. Therefore, this variant is classified as a Variant of Uncertain Significance.

This study involves interpretation of variants in research participants for the purpose of population health screening. Participant phenotype was not available at the time of variant classification. Additional details can be found in publication PMID: 35346344, PMCID: PMC8962531

Revvity Omics, Revvity
Classification: Uncertain significance. Last evaluated: 2019-01-15. Review status: criteria provided, single submitter. Criteria: ACMG Guidelines, 2015. Collection method: clinical testing. Allele origin: germline.

PreventionGenetics, part of Exact Sciences
Classification: Uncertain significance for RYR1-related condition. Last evaluated: 2024-02-06. Review status: no assertion criteria provided. Collection method: clinical testing. Allele origin: germline. Not counted in ClinVar's aggregate classification.
Comment: The RYR1 c.14942T>C variant is predicted to result in the amino acid substitution p.Leu4981Pro. This variant was reported with a second RYR1 variant in a case of fetal akinesia (Reported as c.14927T>C, p.Leu4976Pro in Table 5, Boissel et al 2018. PubMed ID: 29261186; Alkhunaizi E et al 2019. PubMed ID: 30652412). This variant is reported in 0.0035% of alleles in individuals of European (Non-Finnish) descent in gnomAD. At PreventionGenetics, we have observed the c.14942T>C variant with a second RYR1 variant in patients with features of RYR1-related myopathies (internal data). Although we suspect this variant could be pathogenic for autosomal recessive RYR1-related disorders, at this time, the clinical significance of this variant is uncertain due to the absence of conclusive functional and genetic evidence.

Literature cited by the submitters: PubMed 29261186 (cited by Women's Health and Genetics/Laboratory Corporation of America, LabCorp and Labcorp Genetics (formerly Invitae), Labcorp); PubMed 30652412 (cited by Women's Health and Genetics/Laboratory Corporation of America, LabCorp).

NM_000540.3(RYR1):c.14942T>C (p.Leu4981Pro)

Gene: RYR1 (ryanodine receptor 1; plus strand). Cytogenetic location: 19q13.2.
Variant type: single nucleotide variant.
Coding change: c.14942T>C on transcript NM_000540.3 (MANE Select); coding-DNA position 14942, T replaced by C.
Protein change: p.Leu4981Pro; replaces leucine 4981 with proline.
Molecular consequence: missense variant.
Genome position (GRCh38, 1-based): chr19:38,586,164, T>C. VCF-style: chr19-38586164-T-C. GRCh37 (hg19) VCF-style: chr19-39076804-T-C.
Other names: c.14927T>C, p.Leu4976Pro (NM_001042723.2); short protein forms L4981P, L4976P.
Identifiers: ClinVar variation 590478 (VCV000590478.20), dbSNP rs761963097, ClinGen allele CA061847.